The following is an entry in ClinVar:

NM_016219.5(MAN1B1):c.970G>A (p.Val324Met)

Gene: MAN1B1 (mannosidase alpha class 1B member 1; plus strand). Cytogenetic location: 9q34.3.
Variant type: single nucleotide variant.
Coding change: c.970G>A on transcript NM_016219.5 (MANE Select); coding-DNA position 970, G replaced by A.
Protein change: p.Val324Met; replaces valine 324 with methionine.
Molecular consequence: missense variant. On other transcripts: non-coding transcript variant (2).
Genome position (GRCh38, 1-based): chr9:137,101,058, G>A. VCF-style: chr9-137101058-G-A. GRCh37 (hg19) VCF-style: chr9-139995510-G-A.
Other names: c.862G>A, p.Val288Met (NM_007230.1); short protein forms V288M, V324M.
Identifiers: ClinVar variation 2184037 (VCV002184037.4), dbSNP rs757427659, ClinGen allele CA5358861.
Genomic context (GRCh38, chr9:137,101,058, plus strand): 5'-GTCATAGAATTTGAGGAAGCCAGGAAGTGGGTGTCGAAGAAGTTACACTTTGAAAAGGAC[G>A]TGGACGTCAACCTGTTTGAGAGCACGATCCGCATCCTGGGGGGGCTCCTGAGTGCCTACC-3'
Protein context (NP_057303.2, residues 314-334): VSKKLHFEKD[Val324Met]DVNLFESTIR

ClinVar aggregate classification (germline): Uncertain significance (1 of 4 stars; one submission).

Conditions:
Rafiq syndrome (RAFQS). Identifiers: Orphanet 88616, MedGen C3280127, MONDO:0013624, OMIM 614202.

Allele frequency attached by ClinVar (database versions not stated): gnomAD exomes 0.00003; TOPMed 0.00003; gnomAD 0.00005; ExAC 0.00007.

Submission:

Labcorp Genetics (formerly Invitae), Labcorp
Classification: Uncertain significance for Rafiq syndrome. Last evaluated: 2024-10-17. Review status: criteria provided, single submitter. Criteria: Invitae Variant Classification Sherloc (09022015). Collection method: clinical testing. Allele origin: germline.
Comment: This sequence change replaces valine, which is neutral and non-polar, with methionine, which is neutral and non-polar, at codon 324 of the MAN1B1 protein (p.Val324Met). This variant is present in population databases (rs757427659, gnomAD 0.04%). This variant has not been reported in the literature in individuals affected with MAN1B1-related conditions. ClinVar contains an entry for this variant (Variation ID: 2184037). An algorithm developed to predict the effect of missense changes on protein structure and function (PolyPhen-2) suggests that this variant is likely to be tolerated. In summary, the available evidence is currently insufficient to determine the role of this variant in disease. Therefore, it has been classified as a Variant of Uncertain Significance.